The following is an entry in ClinVar:

ClinVar aggregate classification (germline): Likely benign (1 of 4 stars; one submission).

Conditions:
Generalized epilepsy-paroxysmal dyskinesia syndrome (PNKD3). Also called: Paroxysmal nonkinesigenic dyskinesia, 3, with or without generalized epilepsy; Generalized epilepsy and paroxysmal dyskinesia. Identifiers: Orphanet 79137, MedGen C5574945, MONDO:0012276, OMIM 609446.

Allele frequency attached by ClinVar (database versions not stated): gnomAD exomes 0.00045; gnomAD 0.00503 and 0.00532; TOPMed 0.00578; 1000 Genomes Project 30x 0.00703; 1000 Genomes Project 0.00719.
gnomAD v4.1: 1,145 of 985,290 alleles (0.12%); highest among the groups gnomAD compares: African/African-American, 1.8%; 8 homozygotes.

Submission:

Illumina Laboratory Services, Illumina
Classification: Likely benign for Generalized epilepsy-paroxysmal dyskinesia syndrome. Last evaluated: 2018-01-13. Review status: criteria provided, single submitter. Criteria: ICSL Variant Classification Criteria 13 December 2019. Collection method: clinical testing. Allele origin: germline.
Comment: This variant was observed in the ICSL laboratory as part of a predisposition screen in an ostensibly healthy population. It had not been previously curated by ICSL or reported in the Human Gene Mutation Database (HGMD: prior to June 1st, 2018), and was therefore a candidate for classification through an automated scoring system. Utilizing variant allele frequency, disease prevalence and penetrance estimates, and inheritance mode, an automated score was calculated to assess if this variant is too frequent to cause the disease. Based on the score and internal cut-off values, a variant classified as likely benign is not then subjected to further curation. The score for this variant resulted in a classification of likely benign for this disease.

NM_001161352.2(KCNMA1):c.*1765T>C

Gene: KCNMA1 (potassium calcium-activated channel subfamily M alpha 1; minus strand). Cytogenetic location: 10q22.3.
Variant type: single nucleotide variant.
Coding change: c.*1765T>C on transcript NM_001161352.2 (MANE Select); 1765 bases downstream of the stop codon, T replaced by C.
Molecular consequence: 3 prime UTR variant. On other transcripts: intron variant (7).
Genome position (GRCh38, 1-based): chr10:76,885,501, A>G on the plus strand (T>C on the coding strand, the complement: KCNMA1 is on the minus strand). VCF-style: chr10-76885501-A-G. GRCh37 (hg19) VCF-style: chr10-78645259-A-G.
Other names: c.*1765T>C (NM_001161353.2, NM_001271519.2, NM_001322836.2 and 2 more transcripts); c.3362+1790T>C (NM_001271518.2); c.3512+1790T>C (NM_001322832.2); c.3521+1790T>C (NM_001322829.2); c.3524+1790T>C (NM_001014797.3); c.3605+1790T>C (NM_001322835.2); c.3614+1790T>C (NM_001322830.2); c.3059+1790T>C (NM_001322838.2).
Identifiers: ClinVar variation 300931 (VCV000300931.5), dbSNP rs80189498, ClinGen allele CA10629112.